The following is an entry in ClinVar:

ClinVar aggregate classification (germline): Pathogenic. Review status: criteria provided, multiple submitters, no conflicts (2 of 4 stars). 2 submissions from 2 submitters: Pathogenic (2). Last evaluated 2024-06-09.

Conditions:
Familial thoracic aortic aneurysm and aortic dissection (TAAD). Also called: Thoracic aortic aneurysms and dissections. Identifiers: Orphanet 91387, MedGen C4707243, MONDO:0019625.
Ehlers-Danlos syndrome, type 4 (EDSVASC). Also called: Ehlers-Danlos syndrome vascular type; Ehlers Danlos syndrome, ecchymotic type; Ehlers Danlos syndrome, arterial type; Ehlers Danlos syndrome, Sack-Barabas type; Ehlers-Danlos Syndrome Type IV. Identifiers: Orphanet 286, MedGen C0268338, MONDO:0017314, OMIM 130050.

Submissions (2):

All of Us Research Program, National Institutes of Health
Classification: Pathogenic for Ehlers-Danlos syndrome, type 4. Last evaluated: 2024-06-09. Review status: criteria provided, single submitter. Criteria: ACMG Guidelines, 2015. Collection method: clinical testing. Allele origin: germline. Inheritance: Autosomal dominant inheritance. Observed: 1 variant allele, 1 heterozygote.
Comment: This variant inserts 1 nucleotide in exon 2 of the COL3A1 gene, creating a frameshift and premature translation stop signal. This variant is expected to result in an absent or non-functional protein product. To our knowledge, this variant has not been reported in individuals affected with COL3A1-related disorders in the literature. This variant has not been identified in the general population by the Genome Aggregation Database (gnomAD). Loss of COL3A1 function is a known mechanism of disease. Based on the available evidence, this variant is classified as Pathogenic.

This study involves interpretation of variants in research participants for the purpose of population health screening. Participant phenotype was not available at the time of variant classification. Additional details can be found in publication PMID: 35346344, PMCID: PMC8962531

Color Diagnostics, LLC DBA Color Health
Classification: Pathogenic for Familial thoracic aortic aneurysm and aortic dissection. Last evaluated: 2024-04-11. Review status: criteria provided, single submitter. Criteria: ACMG Guidelines, 2015. Collection method: clinical testing. Allele origin: germline.
Comment: This variant inserts 1 nucleotide in exon 2 of the COL3A1 gene, creating a frameshift and premature translation stop signal. This variant is expected to result in an absent or non-functional protein product. To our knowledge, this variant has not been reported in individuals affected with COL3A1-related disorders in the literature. This variant has not been identified in the general population by the Genome Aggregation Database (gnomAD). Loss of COL3A1 function is a known mechanism of disease. Based on the available evidence, this variant is classified as Pathogenic.

NM_000090.4(COL3A1):c.105dup (p.Gly36fs)

Gene: COL3A1 (collagen type III alpha 1 chain; plus strand). Cytogenetic location: 2q32.2.
Variant type: Duplication.
Coding change: c.105dup on transcript NM_000090.4 (MANE Select); coding-DNA position 105, one base duplicated (T; older notation c.105dupT).
Protein change: p.Gly36fs; shifts the reading frame from glycine 36.
Molecular consequence: frameshift variant.
Genome position (GRCh38, 1-based): chr2:188,984,785, T duplicated; the last of 2 consecutive T bases (chr2:188,984,784-188,984,785); duplicating either gives the same sequence. VCF-style (leftmost placement, unchanged base first): chr2-188984783-C-CT. GRCh37 (hg19) VCF-style: chr2-189849509-C-CT.
Other names: short protein forms G36fs.
Identifiers: ClinVar variation 3386424 (VCV003386424.2).